The following is an entry in ClinVar:

ClinVar aggregate classification (germline): Uncertain significance (1 of 4 stars; one submission).

Conditions:
Cernunnos-XLF deficiency (IMD124). Also called: NHEJ1 SYNDROME; Severe combined immunodeficiency with sensitivity to ionizing radiation due to NHEJ1 deficiency; SCID, autosomal recessive, T cell-negative, B cell-negative, NK cell-positive, and sensitivity to ionizing radiation due to NHEJ1 deficiency; IMMUNODEFICIENCY 124, SEVERE COMBINED; SCID, AUTOSOMAL RECESSIVE, T CELL-NEGATIVE, B CELL-NEGATIVE, NK CELL-POSITIVE, WITH MICROCEPHALY, GROWTH RETARDATION, AND SENSITIVITY TO IONIZING RADIATION. Identifiers: Orphanet 169079, MedGen C1969799, MONDO:0012650, OMIM 611291.

Allele frequency attached by ClinVar (database versions not stated): gnomAD exomes 0.00004 and 0.00010; ExAC 0.00009; gnomAD 0.00021 and 0.00024; TOPMed 0.00031; ESP Exome Variant Server 0.00046.
gnomAD v4.1: 98 of 1,614,004 alleles (0.0061%); highest among the groups gnomAD compares: African/African-American, 0.059%; no homozygotes.

Submission:

Labcorp Genetics (formerly Invitae), Labcorp
Classification: Uncertain significance for Cernunnos-XLF deficiency. Last evaluated: 2024-12-16. Review status: criteria provided, single submitter. Criteria: Invitae Variant Classification Sherloc (09022015). Collection method: clinical testing. Allele origin: germline.
Comment: This sequence change replaces alanine, which is neutral and non-polar, with threonine, which is neutral and polar, at codon 87 of the NHEJ1 protein (p.Ala87Thr). This variant is present in population databases (rs150307533, gnomAD 0.08%). This variant has not been reported in the literature in individuals affected with NHEJ1-related conditions. ClinVar contains an entry for this variant (Variation ID: 837303). Invitae Evidence Modeling of protein sequence and biophysical properties (such as structural, functional, and spatial information, amino acid conservation, physicochemical variation, residue mobility, and thermodynamic stability) indicates that this missense variant is not expected to disrupt NHEJ1 protein function with a negative predictive value of 80%. In summary, the available evidence is currently insufficient to determine the role of this variant in disease. Therefore, it has been classified as a Variant of Uncertain Significance.

NM_024782.3(NHEJ1):c.259G>A (p.Ala87Thr)

Gene: NHEJ1 (non-homologous end joining factor 1; minus strand). Cytogenetic location: 2q35.
Variant type: single nucleotide variant.
Coding change: c.259G>A on transcript NM_024782.3 (MANE Select); coding-DNA position 259, G replaced by A.
Protein change: p.Ala87Thr; replaces alanine 87 with threonine.
Molecular consequence: missense variant. On other transcripts: non-coding transcript variant (1).
Genome position (GRCh38, 1-based): chr2:219,157,603, C>T on the plus strand (G>A on the coding strand, the complement: NHEJ1 is on the minus strand). VCF-style: chr2-219157603-C-T. GRCh37 (hg19) VCF-style: chr2-220022325-C-T.
Other names: c.259G>A, p.Ala87Thr (NM_001377498.1, NM_001377499.1); short protein forms A87T.
Identifiers: ClinVar variation 837303 (VCV000837303.8), dbSNP rs150307533, ClinGen allele CA2117049.